The following is an entry in ClinVar:

ClinVar aggregate classification (germline): Benign (0 of 4 stars; one submission).

Conditions:
CHD3-related disorder. Also called: CHD3-related condition.

Allele frequency attached by ClinVar (database versions not stated): gnomAD exomes 0.00485; ExAC 0.01264; gnomAD 0.03655; 1000 Genomes Project 0.03814; 1000 Genomes Project 30x 0.03982; TOPMed 0.04004; ESP Exome Variant Server 0.04105.
gnomAD v4.1: 12,549 of 1,546,766 alleles (0.81%); highest among the groups gnomAD compares: African/African-American, 12%; 567 homozygotes.

Submission:

PreventionGenetics, part of Exact Sciences
Classification: Benign for CHD3-related condition. Last evaluated: 2019-09-24. Review status: no assertion criteria provided. Collection method: clinical testing. Allele origin: germline.
Comment: This variant is classified as benign based on ACMG/AMP sequence variant interpretation guidelines (Richards et al. 2015 PMID: 25741868, with internal and published modifications).

NM_001005273.3(CHD3):c.793+10T>A

Gene: CHD3 (chromodomain helicase DNA binding protein 3; plus strand). Cytogenetic location: 17p13.1.
Variant type: single nucleotide variant.
Coding change: c.793+10T>A on transcript NM_001005273.3 (MANE Select); 10 bases into the intron after coding-DNA position 793, T replaced by A.
Molecular consequence: intron variant.
Genome position (GRCh38, 1-based): chr17:7,893,579, T>A. VCF-style: chr17-7893579-T-A. GRCh37 (hg19) VCF-style: chr17-7796897-T-A.
Other names: c.970+10T>A (NM_001005271.3); c.793+10T>A (NM_005852.4).
Identifiers: ClinVar variation 3056554 (VCV003056554.2), dbSNP rs57946102, ClinGen allele CA8362461.